The following is an entry in ClinVar:

ClinVar aggregate classification (germline): Uncertain significance (1 of 4 stars; one submission).

Allele frequency attached by ClinVar (database versions not stated): gnomAD exomes below 0.00001; gnomAD 0.00001.
gnomAD v4.1: 3 of 1,612,156 alleles (0.00019%); highest among the groups gnomAD compares: Non-Finnish European, 0.00025%; no homozygotes.

Submission:

Labcorp Genetics (formerly Invitae), Labcorp
Classification: Uncertain significance. Last evaluated: 2023-03-08. Review status: criteria provided, single submitter. Criteria: Invitae Variant Classification Sherloc (09022015). Collection method: clinical testing. Allele origin: germline.
Comment: In summary, the available evidence is currently insufficient to determine the role of this variant in disease. Therefore, it has been classified as a Variant of Uncertain Significance. Variants that disrupt the consensus splice site are a relatively common cause of aberrant splicing (PMID: 17576681, 9536098). Algorithms developed to predict the effect of sequence changes on RNA splicing suggest that this variant is not likely to affect RNA splicing. This variant has not been reported in the literature in individuals affected with IFT74-related conditions. This variant is not present in population databases (gnomAD no frequency). This sequence change falls in intron 3 of the IFT74 gene. It does not directly change the encoded amino acid sequence of the IFT74 protein. It affects a nucleotide within the consensus splice site.

Literature cited by the submitters: PubMed 17576681; PubMed 9536098.

NM_025103.4(IFT74):c.256+6T>C

Gene: IFT74 (intraflagellar transport 74; plus strand). Cytogenetic location: 9p21.2.
Variant type: single nucleotide variant.
Coding change: c.256+6T>C on transcript NM_025103.4 (MANE Select); 6 bases into the intron after coding-DNA position 256, T replaced by C.
Molecular consequence: intron variant.
Genome position (GRCh38, 1-based): chr9:26,978,269, T>C. VCF-style: chr9-26978269-T-C. GRCh37 (hg19) VCF-style: chr9-26978267-T-C.
Other names: c.256+6T>C (NM_001099223.3, NM_001099222.3, NM_001349928.2 and 1 more transcripts).
Identifiers: ClinVar variation 3020116 (VCV003020116.3), dbSNP rs1827214857, ClinGen allele CA1122580396.